The following is an entry in ClinVar:

ClinVar aggregate classification (germline): Uncertain significance (1 of 4 stars; one submission).

Conditions:
Hypertrophic cardiomyopathy. Also called: HYPERTROPHIC MYOCARDIOPATHY. Identifiers: Orphanet 217569, MedGen C0007194, MeSH D002312, MONDO:0005045, HP:0001639.

Submission:

Labcorp Genetics (formerly Invitae), Labcorp
Classification: Uncertain significance for Hypertrophic cardiomyopathy. Last evaluated: 2022-04-11. Review status: criteria provided, single submitter. Criteria: Invitae Variant Classification Sherloc (09022015). Collection method: clinical testing. Allele origin: germline.
Comment: This sequence change replaces alanine, which is neutral and non-polar, with glutamic acid, which is acidic and polar, at codon 459 of the JPH2 protein (p.Ala459Glu). This variant is not present in population databases (gnomAD no frequency). This variant has not been reported in the literature in individuals affected with JPH2-related conditions. Algorithms developed to predict the effect of missense changes on protein structure and function (SIFT, PolyPhen-2, Align-GVGD) all suggest that this variant is likely to be tolerated. In summary, the available evidence is currently insufficient to determine the role of this variant in disease. Therefore, it has been classified as a Variant of Uncertain Significance.

NM_020433.5(JPH2):c.1376C>A (p.Ala459Glu)

Gene: JPH2 (junctophilin 2; minus strand). Cytogenetic location: 20q13.12.
Variant type: single nucleotide variant.
Coding change: c.1376C>A on transcript NM_020433.5 (MANE Select); coding-DNA position 1376, C replaced by A.
Protein change: p.Ala459Glu; replaces alanine 459 with glutamic acid.
Molecular consequence: missense variant.
Genome position (GRCh38, 1-based): chr20:44,116,299, G>T on the plus strand (C>A on the coding strand, the complement: JPH2 is on the minus strand). VCF-style: chr20-44116299-G-T. GRCh37 (hg19) VCF-style: chr20-42744939-G-T.
Other names: short protein forms A459E.
Identifiers: ClinVar variation 2175830 (VCV002175830.4), dbSNP rs2515718525, ClinGen allele CA409100756.